The following is an entry in ClinVar:

ClinVar aggregate classification (germline): Uncertain significance (1 of 4 stars; one submission).

Conditions:
RYR1-related disorder. Also called: RYR1-related disorders; RYR1-related condition. Identifiers: MedGen CN239331.

Submission:

Labcorp Genetics (formerly Invitae), Labcorp
Classification: Uncertain significance for RYR1-related disorder. Last evaluated: 2020-02-18. Review status: criteria provided, single submitter. Criteria: Invitae Variant Classification Sherloc (09022015). Collection method: clinical testing. Allele origin: germline.
Comment: This variant, c.14564_14566delTGG, results in the deletion of 1 amino acid(s) of the RYR1 protein (p.Val4855del), but otherwise preserves the integrity of the reading frame. This variant is not present in population databases (ExAC no frequency). This variant has not been reported in the literature in individuals with RYR1-related disease. Experimental studies and prediction algorithms are not available for this variant, and the functional significance of the affected amino acid(s) is currently unknown. This missense change is located in a region of the RYR1 protein where a significant number of previously reported RYR1 missense mutations are found (PMID: 16084090). These observations suggest that a previously unreported missense substitution within this region may affect protein function, but experiments have not been done to test this possibility. In summary, the available evidence is currently insufficient to determine the role of this variant in disease. Therefore, it has been classified as a Variant of Uncertain Significance.

Literature cited by the submitters: PubMed 16084090.

NM_000540.3(RYR1):c.14561TGG[1] (p.Val4855del)

Gene: RYR1 (ryanodine receptor 1; plus strand). Cytogenetic location: 19q13.2.
Variant type: Microsatellite.
Coding change: c.14561TGG[1] on transcript NM_000540.3 (MANE Select); one copy of the 3-base unit TGG starting at c.14561; the reference has two copies in a row; one copy, 3 bases deleted.
Protein change: p.Val4855del; deletes valine 4855.
Molecular consequence: inframe deletion.
Genome position (GRCh38, 1-based): chr19:38,580,422-38,580,424, TGG deleted; deleting any 3 consecutive bases within chr19:38,580,418-38,580,424 gives the same sequence; the position shown is the placement nearest the transcript's 3' end. VCF-style (leftmost placement, unchanged base first): chr19-38580417-CGTG-C. GRCh37 (hg19) VCF-style: chr19-39071057-CGTG-C.
Other names: c.14564_14566delTGG (NM_000540.2); c.14546TGG[1], p.Val4850del (NM_001042723.2); short protein forms V4855del, V4850del.
Identifiers: ClinVar variation 663327 (VCV000663327.8), dbSNP rs1599665089, ClinGen allele CA915953038.